The following is an entry in ClinVar:

NM_022841.7(RFX7):c.339G>C (p.Arg113=)

Gene: RFX7 (regulatory factor X7; minus strand). Cytogenetic location: 15q21.3.
Variant type: single nucleotide variant.
Coding change: c.339G>C on transcript NM_022841.7 (MANE Select); coding-DNA position 339, G replaced by C.
Protein change: p.Arg113=; no amino-acid change (arginine 113 retained).
Molecular consequence: synonymous variant.
Genome position (GRCh38, 1-based): chr15:56,142,840, C>G on the plus strand (G>C on the coding strand, the complement: RFX7 is on the minus strand). VCF-style: chr15-56142840-C-G. GRCh37 (hg19) VCF-style: chr15-56435038-C-G.
Other names: c.48G>C, p.Arg16= (NM_001368073.2, NM_001368074.1, NM_001370554.1); c.339G>C, p.Arg113= (NM_001370561.1).
Identifiers: ClinVar variation 3770765 (VCV003770765.14).
Genomic context (GRCh38, chr15:56,142,840, plus strand): 5'-GTACTCATCATAGACTTCCTGTTTGGGCAGTGAAGTCTCCGGATGTTCCTCTAGGGTATT[C>G]CGAATCCAGGAAAAGGCATGCATTTGTTGTGCCCGACTAGATGACATGGCATTCTGATCA-3'
Protein context (NP_073752.6, residues 103-123): AQQMHAFSWI[Arg113=]NTLEEHPETS

ClinVar aggregate classification (germline): Likely benign. Review status: criteria provided, multiple submitters, no conflicts (2 of 4 stars). 2 submissions from 2 submitters: Likely benign (2). Last evaluated 2026-02-01.

gnomAD v4.1: 315 of 1,613,518 alleles (0.02%); highest among the groups gnomAD compares: African/African-American, 0.2%; 4 homozygotes.

Submissions (2):

CeGaT Center for Human Genetics Tuebingen
Classification: Likely benign. Last evaluated: 2026-02-01. Review status: criteria provided, single submitter. Criteria: CeGaT Center For Human Genetics Tuebingen Variant Classification Criteria Version 2. Collection method: clinical testing. Allele origin: germline. Affected: yes. Observed: 2 variant alleles.
Comment: RFX7: BP4, BP7, BS1

Blueprint Genetics
Classification: Likely benign. Last evaluated: 2024-11-25. Review status: criteria provided, single submitter. Criteria: ACMG Guidelines, 2015. Collection method: clinical testing. Allele origin: germline.